The following is an entry in ClinVar:

ClinVar aggregate classification (germline): Uncertain significance. Review status: criteria provided, multiple submitters, no conflicts (2 of 4 stars). 4 submissions from 4 submitters: Uncertain significance (3). 1 of the submissions does not count toward it. Last evaluated 2024-11-05.

Conditions:
Cardiovascular phenotype. Identifiers: MedGen CN230736.
Keratoconus 1 (KTCN1). Identifiers: MedGen C1835677, MONDO:0007851, OMIM 148300.

Submissions (4):

Labcorp Genetics (formerly Invitae), Labcorp
Classification: Uncertain significance. Last evaluated: 2024-11-05. Review status: criteria provided, single submitter. Criteria: Invitae Variant Classification Sherloc (09022015). Collection method: clinical testing. Allele origin: germline.
Comment: This variant, c.2904_2909del, results in the deletion of 2 amino acid(s) of the ZNF469 protein (p.Ser969_Gly970del), but otherwise preserves the integrity of the reading frame. The frequency data for this variant in the population databases is considered unreliable, as metrics indicate poor data quality at this position in the gnomAD database. This variant has been observed in individual(s) with clinical features of ZNF469-related conditions (PMID: 24895405). In summary, the available evidence is currently insufficient to determine the role of this variant in disease. Therefore, it has been classified as a Variant of Uncertain Significance.

Women's Health and Genetics/Laboratory Corporation of America, LabCorp
Classification: Uncertain significance. Last evaluated: 2022-12-31. Review status: criteria provided, single submitter. Criteria: LabCorp Variant Classification Summary - May 2015. Collection method: clinical testing. Allele origin: germline.
Comment: Variant summary: ZNF469 c.2904_2909delGTCGGG (p.Ser969_Gly970del) results in an in-frame deletion that is predicted to remove 2 amino acids from the encoded protein. The variant allele was found at a frequency of 1.4e-05 in 143044 control chromosomes (gnomAD). The available data on variant occurrences in the general population are insufficient to allow any conclusion about variant significance. c.2904_2909delGTCGGG has been reported in the literature in the heterozygous state in at least one individual with keratoconus (Lechner_2014). This report does not provide unequivocal conclusions about association of the variant with Brittle Cornea Syndrome. To our knowledge, no experimental evidence demonstrating an impact on protein function has been reported. One ClinVar submitter has assessed the variant since 2014: the variant was classified as uncertain significance. Based on the evidence outlined above, the variant was classified as uncertain significance.

Ambry Genetics
Classification: Uncertain significance for Cardiovascular phenotype. Last evaluated: 2021-10-13. Review status: criteria provided, single submitter. Criteria: Ambry Variant Classification Scheme 2023. Collection method: clinical testing. Allele origin: germline.
Comment: The c.2904_2909delGTCGGG variant (also known as p.S969_G970del) is located in coding exon 1 of the ZNF469 gene. This variant results from an in-frame GTCGGG deletion at nucleotide positions 2904 to 2909. This results in the in-frame deletion two amino acids at codon 969. The nucleotide and amino acid positions are poorly conserved in available vertebrate species. In addition, this alteration is predicted to be neutral by in silico analysis (Choi Y et al. PLoS ONE. 2012; 7(10):e46688). Since supporting evidence is limited at this time, the clinical significance of this alteration remains unclear.

Willoughby Group, Queen's University Belfast
Classification: Pathogenic for Keratoconus 1. Review status: no assertion criteria provided. Collection method: not provided. Allele origin: germline. Not counted in ClinVar's aggregate classification.
ClinVar note: Converted during submission from pathogenic to Pathogenic.

Literature cited by the submitters: PubMed 24895405 (cited by Labcorp Genetics (formerly Invitae), Labcorp and Women's Health and Genetics/Laboratory Corporation of America, LabCorp).

NM_001367624.2(ZNF469):c.2898GTCGGG[1] (p.967SG[1])

Gene: ZNF469 (zinc finger protein 469; plus strand). Cytogenetic location: 16q24.2.
Variant type: Microsatellite.
Coding change: c.2898GTCGGG[1] on transcript NM_001367624.2 (MANE Select); one copy of the 6-base unit GTCGGG starting at c.2898; the reference has two copies in a row; one copy, 6 bases deleted.
Protein change: p.967SG[1].
Molecular consequence: inframe deletion.
Genome position (GRCh38, 1-based): chr16:88,430,374-88,430,379, GTCGGG deleted; deleting any 6 consecutive bases within chr16:88,430,365-88,430,379 gives the same sequence; the position shown is the placement nearest the transcript's 3' end. VCF-style (leftmost placement, unchanged base first): chr16-88430364-AGGGGTC-A. GRCh37 (hg19) VCF-style: chr16-88496772-AGGGGTC-A.
Other names: NM_001127464.1:c.2904_2909delGTCGGG; c.2904_2909delGTCGGG (NM_001367624.2).
Identifiers: ClinVar variation 126940 (VCV000126940.8), dbSNP rs281865147, ClinGen allele CA151319.